The following is an entry in ClinVar:

NM_000535.7(PMS2):c.1810C>G (p.Gln604Glu)

Gene: PMS2 (PMS1 homolog 2, mismatch repair system component; minus strand). Cytogenetic location: 7p22.1.
Variant type: single nucleotide variant.
Coding change: c.1810C>G on transcript NM_000535.7 (MANE Select); coding-DNA position 1810, C replaced by G.
Protein change: p.Gln604Glu; replaces glutamine 604 with glutamic acid.
Molecular consequence: missense variant. On other transcripts: non-coding transcript variant (1).
Genome position (GRCh38, 1-based): chr7:5,986,955, G>C on the plus strand (C>G on the coding strand, the complement: PMS2 is on the minus strand). VCF-style: chr7-5986955-G-C. GRCh37 (hg19) VCF-style: chr7-6026586-G-C.
Other names: c.1405C>G, p.Gln469Glu (NM_001322003.2, NM_001322004.2, NM_001322005.2 and 1 more transcripts); c.1654C>G, p.Gln552Glu (NM_001322006.2); c.1492C>G, p.Gln498Glu (NM_001322007.2, NM_001322008.2); c.1249C>G, p.Gln417Glu (NM_001322010.2); c.877C>G, p.Gln293Glu (NM_001322011.2, NM_001322012.2); c.1237C>G, p.Gln413Glu (NM_001322013.2); c.1810C>G, p.Gln604Glu (NM_001322014.2); c.1501C>G, p.Gln501Glu (NM_001322015.2); short protein forms Q604E, Q498E, Q552E, Q501E, Q293E, Q413E, Q469E, Q417E.
Identifiers: ClinVar variation 418778 (VCV000418778.10), dbSNP rs1064793426, ClinGen allele CA16618497.

ClinVar aggregate classification (germline): Uncertain significance. Review status: criteria provided, multiple submitters, no conflicts (2 of 4 stars). 3 submissions from 3 submitters: Uncertain significance (3). Last evaluated 2025-03-22.

Conditions:
Hereditary nonpolyposis colorectal neoplasms. Identifiers: MedGen C0009405, MeSH D003123.
Hereditary cancer-predisposing syndrome. Also called: Hereditary neoplastic syndrome; Tumor predisposition; Neoplastic Syndromes, Hereditary; Hereditary Cancer Syndrome. Identifiers: Orphanet 140162, MedGen C0027672, MeSH D009386, MONDO:0015356.

gnomAD v4.1: 9 of 1,613,540 alleles (0.00056%); highest among the groups gnomAD compares: Non-Finnish European, 0.00076%; no homozygotes.

Submissions (3):

Ambry Genetics
Classification: Uncertain significance for Hereditary cancer-predisposing syndrome. Last evaluated: 2025-03-22. Review status: criteria provided, single submitter. Criteria: Ambry Variant Classification Scheme 2023. Collection method: clinical testing. Allele origin: germline.
Comment: The p.Q604E variant (also known as c.1810C>G), located in coding exon 11 of the PMS2 gene, results from a C to G substitution at nucleotide position 1810. The glutamine at codon 604 is replaced by glutamic acid, an amino acid with highly similar properties. This amino acid position is conserved. In addition, this alteration is predicted to be tolerated by in silico analysis. Based on the available evidence, the clinical significance of this variant remains unclear.

Labcorp Genetics (formerly Invitae), Labcorp
Classification: Uncertain significance for Hereditary nonpolyposis colorectal neoplasms. Last evaluated: 2023-01-26. Review status: criteria provided, single submitter. Criteria: Invitae Variant Classification Sherloc (09022015). Collection method: clinical testing. Allele origin: germline.
Comment: This sequence change replaces glutamine, which is neutral and polar, with glutamic acid, which is acidic and polar, at codon 604 of the PMS2 protein (p.Gln604Glu). This variant is not present in population databases (gnomAD no frequency). This variant has not been reported in the literature in individuals affected with PMS2-related conditions. ClinVar contains an entry for this variant (Variation ID: 418778). Advanced modeling of protein sequence and biophysical properties (such as structural, functional, and spatial information, amino acid conservation, physicochemical variation, residue mobility, and thermodynamic stability) performed at Invitae indicates that this missense variant is not expected to disrupt PMS2 protein function. In summary, the available evidence is currently insufficient to determine the role of this variant in disease. Therefore, it has been classified as a Variant of Uncertain Significance.

GeneDx
Classification: Uncertain significance. Last evaluated: 2015-04-01. Review status: criteria provided, single submitter. Criteria: GeneDx Variant Classification (06012015). Collection method: clinical testing. Allele origin: germline. Affected: yes.
Comment: This variant is denoted PMS2 c.1810C>G at the cDNA level, p.Gln604Glu (Q604E) at the protein level, and results in the change of a Glutamine to a Glutamic Acid (CAG>GAG). This variant has not, to our knowledge, been published in the literature as pathogenic or benign. PMS2 Gln604Glu was not observed in approximately 6,500 individuals of European and African American ancestry in the NHLBI Exome Sequencing Project, indicating it is not a common benign variant in these populations. Since Glutamine and Glutamic Acid differ in some properties, this is considered a semi-conservative amino acid substitution. PMS2 Gln604Glu occurs at a position that is not conserved across species and is not located in a known functional domain (Fukui 2011). In silico analyses predict that this variant is unlikely to alter protein structure or function. Based on currently available information, it is unclear whether PMS2 Gln604Glu is pathogenic or benign. We consider it to be a variant of uncertain significance.